The following is an entry in ClinVar:

ClinVar aggregate classification (germline): Conflicting classifications of pathogenicity. Review status: criteria provided, conflicting classifications (1 of 4 stars). 6 submissions from 6 submitters: Uncertain significance (1); Likely benign (4). 1 of the submissions does not count toward it. Last evaluated 2026-01-26.

Conditions:
Cenani-Lenz syndactyly syndrome. Also called: SYNDACTYLY, TYPE VII; CENANI SYNDACTYLISM. Identifiers: Orphanet 3258, MedGen C1859309, MONDO:0008931, OMIM 212780.
Congenital myasthenic syndrome 17. Identifiers: Orphanet 590, MedGen C4225377, MONDO:0014578, OMIM 616304.
Sclerosteosis 2 (SOST2). Identifiers: Orphanet 3152, MedGen C3280402, MONDO:0013679, OMIM 614305.
LRP4-related disorder. Also called: LRP4-related condition.

Allele frequency attached by ClinVar (database versions not stated): gnomAD 0.00076 and 0.00070; gnomAD exomes 0.00081; ESP Exome Variant Server 0.00092; ExAC 0.00103; TOPMed 0.00051.
gnomAD v4.1: 1,269 of 1,614,116 alleles (0.079%); highest among the groups gnomAD compares: Non-Finnish European, 0.095%; no homozygotes.

Submissions (6):

Labcorp Genetics (formerly Invitae), Labcorp
Classification: Likely benign for Cenani-Lenz syndactyly syndrome; Sclerosteosis 2; Congenital myasthenic syndrome 17. Last evaluated: 2026-01-26. Review status: criteria provided, single submitter. Criteria: Invitae Variant Classification Sherloc (09022015). Collection method: clinical testing. Allele origin: germline.

CeGaT Center for Human Genetics Tuebingen
Classification: Likely benign. Last evaluated: 2025-07-01. Review status: criteria provided, single submitter. Criteria: CeGaT Center For Human Genetics Tuebingen Variant Classification Criteria Version 2. Collection method: clinical testing. Allele origin: germline. Affected: yes. Observed: 4 variant alleles.
Comment: LRP4: BP4, BP7

Women's Health and Genetics/Laboratory Corporation of America, LabCorp
Classification: Likely benign. Last evaluated: 2024-11-29. Review status: criteria provided, single submitter. Criteria: LabCorp Variant Classification Summary - May 2015. Collection method: clinical testing. Allele origin: germline.

Blueprint Genetics
Classification: Likely benign. Last evaluated: 2024-11-25. Review status: criteria provided, single submitter. Criteria: ACMG Guidelines, 2015. Collection method: clinical testing. Allele origin: germline.

Illumina Laboratory Services, Illumina
Classification: Uncertain significance for Cenani-Lenz syndactyly syndrome. Last evaluated: 2017-08-21. Review status: criteria provided, single submitter. Criteria: ICSL Variant Classification Criteria 13 December 2019. Collection method: clinical testing. Allele origin: germline.

PreventionGenetics, part of Exact Sciences
Classification: Likely benign for LRP4-related condition. Last evaluated: 2019-02-19. Review status: no assertion criteria provided. Collection method: clinical testing. Allele origin: germline. Not counted in ClinVar's aggregate classification.
Comment: This variant is classified as likely benign based on ACMG/AMP sequence variant interpretation guidelines (Richards et al. 2015 PMID: 25741868, with internal and published modifications).

NM_002334.4(LRP4):c.2868G>A (p.Glu956=)

Gene: LRP4 (LDL receptor related protein 4; minus strand). Cytogenetic location: 11p11.2.
Variant type: single nucleotide variant.
Coding change: c.2868G>A on transcript NM_002334.4 (MANE Select); coding-DNA position 2868, G replaced by A.
Protein change: p.Glu956=; no amino-acid change (glutamic acid 956 retained).
Molecular consequence: synonymous variant.
Genome position (GRCh38, 1-based): chr11:46,879,262, C>T on the plus strand (G>A on the coding strand, the complement: LRP4 is on the minus strand). VCF-style: chr11-46879262-C-T. GRCh37 (hg19) VCF-style: chr11-46900813-C-T.
Identifiers: ClinVar variation 535807 (VCV000535807.41), dbSNP rs145460760, ClinGen allele CA5969762.